The following is an entry in ClinVar:

ClinVar aggregate classification (germline): Uncertain significance (1 of 4 stars; one submission).

Conditions:
Cardiovascular phenotype. Identifiers: MedGen CN230736.

Allele frequency attached by ClinVar (database versions not stated): TOPMed 0.00001; gnomAD 0.00002.
gnomAD v4.1: 3 of 1,549,772 alleles (0.00019%); highest among the groups gnomAD compares: African/African-American, 0.0041%; no homozygotes.

Submission:

Ambry Genetics
Classification: Uncertain significance for Cardiovascular phenotype. Last evaluated: 2023-12-08. Review status: criteria provided, single submitter. Criteria: Ambry Variant Classification Scheme 2023. Collection method: clinical testing. Allele origin: germline.
Comment: The p.R1403S variant (also known as c.4209G>T), located in coding exon 2 of the ZNF469 gene, results from a G to T substitution at nucleotide position 4209. The arginine at codon 1403 is replaced by serine, an amino acid with dissimilar properties. This amino acid position is conserved. In addition, this alteration is predicted to be tolerated by in silico analysis. Since supporting evidence is limited at this time, the clinical significance of this alteration remains unclear.

NM_001367624.2(ZNF469):c.4293G>T (p.Arg1431Ser)

Gene: ZNF469 (zinc finger protein 469; plus strand). Cytogenetic location: 16q24.2.
Variant type: single nucleotide variant.
Coding change: c.4293G>T on transcript NM_001367624.2 (MANE Select); coding-DNA position 4293, G replaced by T.
Protein change: p.Arg1431Ser; replaces arginine 1431 with serine.
Molecular consequence: missense variant.
Genome position (GRCh38, 1-based): chr16:88,431,763, G>T. VCF-style: chr16-88431763-G-T. GRCh37 (hg19) VCF-style: chr16-88498171-G-T.
Other names: NM_001127464.1:c.4209G>T; short protein forms R1431S.
Identifiers: ClinVar variation 3232809 (VCV003232809.1), dbSNP rs1307362261, ClinGen allele CA397090865.